The following is an entry in ClinVar:

ClinVar aggregate classification (germline): Benign. Review status: criteria provided, multiple submitters, no conflicts (2 of 4 stars). 3 submissions from 3 submitters: Benign (3). Last evaluated 2026-06-01.

Conditions:
TRRAP-related disorder. Also called: TRRAP-related condition.

Allele frequency attached by ClinVar (database versions not stated): TOPMed 0.00007; gnomAD 0.00027; gnomAD exomes 0.00070; 1000 Genomes Project 30x 0.00125; 1000 Genomes Project 0.00140; ExAC 0.00161.
gnomAD v4.1: 1,058 of 1,614,212 alleles (0.066%); highest among the groups gnomAD compares: South Asian, 1.1%; 20 homozygotes.

Submissions (3):

CeGaT Center for Human Genetics Tuebingen
Classification: Benign. Last evaluated: 2026-06-01. Review status: criteria provided, single submitter. Criteria: CeGaT Center For Human Genetics Tuebingen Variant Classification Criteria Version 2. Collection method: clinical testing. Allele origin: germline. Affected: yes. Observed: 1 variant allele.
Comment: TRRAP: BP4, BP7, BS1, BS2

Labcorp Genetics (formerly Invitae), Labcorp
Classification: Benign. Last evaluated: 2025-11-13. Review status: criteria provided, single submitter. Criteria: Invitae Variant Classification Sherloc (09022015). Collection method: clinical testing. Allele origin: germline.

PreventionGenetics, part of Exact Sciences
Classification: Benign for TRRAP-related condition. Last evaluated: 2025-02-18. Review status: criteria provided, single submitter. Criteria: ACMG Guidelines, 2015. Collection method: clinical testing. Allele origin: germline.
Comment: This variant is classified as benign based on ACMG/AMP sequence variant interpretation guidelines (Richards et al. 2015 PMID: 25741868, with internal and published modifications).

NM_001375524.1(TRRAP):c.2898G>T (p.Val966=)

Gene: TRRAP (transformation/transcription domain associated protein; plus strand). Cytogenetic location: 7q22.1.
Variant type: single nucleotide variant.
Coding change: c.2898G>T on transcript NM_001375524.1 (MANE Select); coding-DNA position 2898, G replaced by T.
Protein change: p.Val966=; no amino-acid change (valine 966 retained).
Molecular consequence: synonymous variant.
Genome position (GRCh38, 1-based): chr7:98,925,186, G>T. VCF-style: chr7-98925186-G-T. GRCh37 (hg19) VCF-style: chr7-98522809-G-T.
Other names: c.2898G>T, p.Val966= (NM_001244580.2, NM_003496.4); c.2898G>T (NM_003496.3).
Identifiers: ClinVar variation 2057098 (VCV002057098.6), dbSNP rs540794466, ClinGen allele CA4359870.